The following is an entry in ClinVar:

ClinVar aggregate classification (germline): Uncertain significance. Review status: criteria provided, multiple submitters, no conflicts (2 of 4 stars). 3 submissions from 3 submitters: Uncertain significance (3). Last evaluated 2025-09-28.

Conditions:
Inborn genetic diseases. Identifiers: MedGen C0950123, MeSH D030342.
PIEZO1-related disorder. Also called: PIEZO1-related condition; PIEZO1-Related Disorders.

Allele frequency attached by ClinVar (database versions not stated): TOPMed 0.00001; gnomAD 0.00003.
gnomAD v4.1: 10 of 1,549,398 alleles (0.00065%); highest among the groups gnomAD compares: African/African-American, 0.0014%; no homozygotes.

Submissions (3):

Ambry Genetics
Classification: Uncertain significance for Inborn genetic diseases. Last evaluated: 2025-09-28. Review status: criteria provided, single submitter. Criteria: Ambry Variant Classification Scheme 2023. Collection method: clinical testing. Allele origin: germline.

PreventionGenetics, part of Exact Sciences
Classification: Uncertain significance for PIEZO1-related condition. Last evaluated: 2025-05-09. Review status: criteria provided, single submitter. Criteria: ACMG Guidelines, 2015. Collection method: clinical testing. Allele origin: germline.
Comment: The PIEZO1 c.2447A>G variant is predicted to result in the amino acid substitution p.Lys816Arg. To our knowledge, this variant has not been reported in the literature. This variant is reported in 0.012% of alleles in individuals of African descent in gnomAD. At this time, the clinical significance of this variant is uncertain due to the absence of conclusive functional and genetic evidence.

Revvity Omics, Revvity
Classification: Uncertain significance. Last evaluated: 2023-03-14. Review status: criteria provided, single submitter. Criteria: ACMG Guidelines, 2015. Collection method: clinical testing. Allele origin: germline.

NM_001142864.4(PIEZO1):c.2447A>G (p.Lys816Arg)

Genes: HSALR1 (HSP90AB1 associated lncRNA 1; plus strand), PIEZO1 (piezo type mechanosensitive ion channel component 1 (Er blood group); minus strand). Cytogenetic location: 16q24.3.
Variant type: single nucleotide variant.
Coding change: c.2447A>G on transcript NM_001142864.4 (MANE Select); coding-DNA position 2447, A replaced by G.
Protein change: p.Lys816Arg; replaces lysine 816 with arginine.
Molecular consequence: missense variant.
Genome position (GRCh38, 1-based): chr16:88,733,628, T>C on the plus strand (A>G on the coding strand, the complement: PIEZO1 is on the minus strand). VCF-style: chr16-88733628-T-C. GRCh37 (hg19) VCF-style: chr16-88800036-T-C.
Other names: c.989A>G, p.Lys330Arg (NM_014745.1); c.2447A>G (NM_001142864.2); short protein forms K330R, K816R.
Identifiers: ClinVar variation 2628548 (VCV002628548.5), dbSNP rs1267832123, ClinGen allele CA397112142.
Genomic context (GRCh38, chr16:88,733,628, plus strand): 5'-GAGTTGCCTGCCACACTCACCTCCTTCAGGGCCACCCAGACGGTGTACAGGGCCACCAGC[T>C]TGAAAACGTGAAGCTCCAGCAGCCGCCGCAGGAACACCTGCACGCGTGAGAGGACGTCCG-3'
Protein context (NP_001136336.2, residues 806-826): LRRLLELHVF[Lys816Arg]LVALYTVWVA